The following is an entry in ClinVar:

ClinVar aggregate classification (germline): Benign (1 of 4 stars; one submission).

Conditions:
Glycogen storage disease, type II (IOPD). Also called: Pompe Disease; CARDIOMEGALIA GLYCOGENICA DIFFUSA; GLYCOGENOSIS, GENERALIZED, CARDIAC FORM; GSD II; POMPE DISEASE, INFANTILE-ONSET; GLYCOGEN STORAGE DISEASE II, INFANTILE-ONSET. Identifiers: Orphanet 365, MedGen C0017921, MONDO:0009290, OMIM 232300.

Submission:

Genomenon, Inc
Classification: Benign for Glycogen storage disease, type II. Last evaluated: 2026-07-01. Review status: criteria provided, single submitter. Criteria: Genomenon Sequence Variant Interpretation Standards - Updated. Collection method: curation. Allele origin: germline. Affected: no.
Comment: GAA c.1636+205C>T is an intronic variant located in intron 11. This variant is present at high allele frequency in population databases. We classify GAA c.1636+205C>T as a benign variant.

NM_000152.5(GAA):c.1636+205C>T

Gene: GAA (alpha glucosidase; plus strand). Cytogenetic location: 17q25.3.
Variant type: single nucleotide variant.
Coding change: c.1636+205C>T on transcript NM_000152.5 (MANE Select); 205 bases into the intron after coding-DNA position 1636, C replaced by T.
Molecular consequence: intron variant.
Genome position (GRCh38, 1-based): chr17:80,111,230, C>T. VCF-style: chr17-80111230-C-T. GRCh37 (hg19) VCF-style: chr17-78085029-C-T.
Other names: c.1636+205C>T (NM_001406741.1, NM_001406742.1, NM_001079803.3 and 1 more transcripts).
Identifiers: ClinVar variation 4876272 (VCV004876272.1).